The following is an entry in ClinVar:

ClinVar aggregate classification (germline): Uncertain significance (1 of 4 stars; one submission).

Conditions:
Autosomal recessive distal spinal muscular atrophy 1. Also called: NEURONOPATHY, DISTAL HEREDITARY MOTOR, HARDING TYPE VI; NEUROPATHY, DISTAL HEREDITARY MOTOR, AUTOSOMAL RECESSIVE 1; SEVERE INFANTILE AXONAL NEUROPATHY WITH RESPIRATORY FAILURE; SPINAL MUSCULAR ATROPHY, DIAPHRAGMATIC; Spinal muscular atrophy with respiratory distress 1; HMN VI. Identifiers: Orphanet 98920, MedGen C1858517, MONDO:0011436, OMIM 604320.
Charcot-Marie-Tooth disease axonal type 2S. Also called: CHARCOT-MARIE-TOOTH DISEASE, AXONAL, AUTOSOMAL RECESSIVE, TYPE 2S; CHARCOT-MARIE-TOOTH NEUROPATHY, TYPE 2S. Identifiers: Orphanet 443073, MedGen C4015349, MONDO:0014511, OMIM 616155.

gnomAD v4.1: 6 of 1,614,108 alleles (0.00037%); highest among the groups gnomAD compares: South Asian, 0.0011%; no homozygotes.

Submission:

Labcorp Genetics (formerly Invitae), Labcorp
Classification: Uncertain significance for Autosomal recessive distal spinal muscular atrophy 1; Charcot-Marie-Tooth disease axonal type 2S. Last evaluated: 2025-02-26. Review status: criteria provided, single submitter. Criteria: Invitae Variant Classification Sherloc (09022015). Collection method: clinical testing. Allele origin: germline.
Comment: This sequence change replaces valine, which is neutral and non-polar, with methionine, which is neutral and non-polar, at codon 347 of the IGHMBP2 protein (p.Val347Met). This variant is present in population databases (no rsID available, gnomAD 0.0009%). This variant has not been reported in the literature in individuals affected with IGHMBP2-related conditions. Invitae Evidence Modeling of protein sequence and biophysical properties (such as structural, functional, and spatial information, amino acid conservation, physicochemical variation, residue mobility, and thermodynamic stability) has been performed for this missense variant. However, the output from this modeling did not meet the statistical confidence thresholds required to predict the impact of this variant on IGHMBP2 protein function. In summary, the available evidence is currently insufficient to determine the role of this variant in disease. Therefore, it has been classified as a Variant of Uncertain Significance.

NM_002180.3(IGHMBP2):c.1039G>A (p.Val347Met)

Gene: IGHMBP2 (immunoglobulin mu DNA binding protein 2; plus strand). Cytogenetic location: 11q13.3.
Variant type: single nucleotide variant.
Coding change: c.1039G>A on transcript NM_002180.3 (MANE Select); coding-DNA position 1039, G replaced by A.
Protein change: p.Val347Met; replaces valine 347 with methionine.
Molecular consequence: missense variant.
Genome position (GRCh38, 1-based): chr11:68,917,862, G>A. VCF-style: chr11-68917862-G-A. GRCh37 (hg19) VCF-style: chr11-68685330-G-A.
Other names: short protein forms V347M.
Identifiers: ClinVar variation 3763566 (VCV003763566.2).